The following is an entry in ClinVar:

NM_000038.6(APC):c.6847A>G (p.Ser2283Gly)

Gene: APC (APC regulator of Wnt signaling pathway; plus strand). Cytogenetic location: 5q22.2.
Variant type: single nucleotide variant.
Coding change: c.6847A>G on transcript NM_000038.6 (MANE Select); coding-DNA position 6847, A replaced by G.
Protein change: p.Ser2283Gly; replaces serine 2283 with glycine.
Molecular consequence: missense variant.
Genome position (GRCh38, 1-based): chr5:112,842,441, A>G. VCF-style: chr5-112842441-A-G. GRCh37 (hg19) VCF-style: chr5-112178138-A-G.
Other names: c.6847A>G, p.Ser2283Gly (NM_001127510.3, NM_001354895.2); c.6793A>G, p.Ser2265Gly (NM_001127511.3); c.6901A>G, p.Ser2301Gly (NM_001354896.2); c.6877A>G, p.Ser2293Gly (NM_001354897.2); c.6772A>G, p.Ser2258Gly (NM_001354898.2); c.6763A>G, p.Ser2255Gly (NM_001354899.2); c.6724A>G, p.Ser2242Gly (NM_001354900.2); c.6670A>G, p.Ser2224Gly (NM_001354901.2); and 5 more; short protein forms S2265G, S2283G, S2000G, S2192G, S2242G, S2182G, S2258G, S2123G.
Identifiers: ClinVar variation 482338 (VCV000482338.24), dbSNP rs1554087786, ClinGen allele CA16036279.

ClinVar aggregate classification (germline): Uncertain significance. Review status: criteria provided, multiple submitters, no conflicts (2 of 4 stars). 5 submissions from 5 submitters: Uncertain significance (5). Last evaluated 2025-12-03.

Conditions:
Classic or attenuated familial adenomatous polyposis. Identifiers: MedGen CN372698, MONDO:0021057.
Hereditary cancer-predisposing syndrome. Also called: Neoplastic Syndromes, Hereditary; Tumor predisposition; Hereditary Cancer Syndrome; Hereditary neoplastic syndrome. Identifiers: Orphanet 140162, MedGen C0027672, MeSH D009386, MONDO:0015356.
Familial adenomatous polyposis 1 (FAP1). Also called: FAMILIAL ADENOMATOUS POLYPOSIS 1, ATTENUATED; POLYPOSIS, ADENOMATOUS INTESTINAL. Identifiers: MedGen C2713442, MONDO:0021056, OMIM 175100. Disease mechanism: loss of function.

Allele frequency attached by ClinVar (database versions not stated): gnomAD 0.00001 and 0.00002.
gnomAD v4.1: 2 of 1,613,920 alleles (0.00012%); highest among the groups gnomAD compares: Admixed American, 0.0017%; no homozygotes.

Submissions (5):

Ambry Genetics
Classification: Uncertain significance for Hereditary cancer-predisposing syndrome. Last evaluated: 2025-12-03. Review status: criteria provided, single submitter. Criteria: Ambry Variant Classification Scheme 2023. Collection method: clinical testing. Allele origin: germline.
Comment: The p.S2283G variant (also known as c.6847A>G), located in coding exon 15 of the APC gene, results from an A to G substitution at nucleotide position 6847. The serine at codon 2283 is replaced by glycine, an amino acid with similar properties. This amino acid position is well conserved in available vertebrate species. In addition, in silico predictors for this gene do not accurately predict pathogenicity. Missense variants in APC are not a common cause of disease (Spier I et al. Genet Med. 2024 Feb;26(2):100992). Based on the available evidence, the clinical significance of this variant remains unclear.

Labcorp Genetics (formerly Invitae), Labcorp
Classification: Uncertain significance for Familial adenomatous polyposis 1. Last evaluated: 2025-07-27. Review status: criteria provided, single submitter. Criteria: Invitae Variant Classification Sherloc (09022015). Collection method: clinical testing. Allele origin: germline.
Comment: This sequence change replaces serine, which is neutral and polar, with glycine, which is neutral and non-polar, at codon 2283 of the APC protein (p.Ser2283Gly). This variant is not present in population databases (gnomAD no frequency). This variant has not been reported in the literature in individuals affected with APC-related conditions. ClinVar contains an entry for this variant (Variation ID: 482338). Invitae Evidence Modeling of protein sequence and biophysical properties (such as structural, functional, and spatial information, amino acid conservation, physicochemical variation, residue mobility, and thermodynamic stability) indicates that this missense variant is not expected to disrupt APC protein function with a negative predictive value of 95%. In summary, the available evidence is currently insufficient to determine the role of this variant in disease. Therefore, it has been classified as a Variant of Uncertain Significance.

Quest Diagnostics Nichols Institute San Juan Capistrano
Classification: Uncertain significance. Last evaluated: 2024-11-14. Review status: criteria provided, single submitter. Criteria: Quest Diagnostics criteria. Collection method: clinical testing. Allele origin: unknown.
Comment: The APC c.6847A>G (p.Ser2283Gly) variant has not been reported in individuals with APC-related conditions in the published literature. The frequency of this variant in the general population, 0.000013 (2/152178 chromosomes (Genome Aggregation Database)), is uninformative in the assessment of its pathogenicity. Analysis of this variant using bioinformatics tools for the prediction of the effect of amino acid changes on protein structure and function yielded predictions that this variant is benign. Based on the available information, we are unable to determine the clinical significance of this variant.

All of Us Research Program, National Institutes of Health
Classification: Uncertain significance for Classic or attenuated familial adenomatous polyposis. Last evaluated: 2023-08-15. Review status: criteria provided, single submitter. Criteria: ACMG Guidelines, 2015. Collection method: clinical testing. Allele origin: germline. Inheritance: Autosomal dominant inheritance. Observed: 2 variant alleles, 2 heterozygotes.
Comment: This missense variant replaces serine with glycine at codon 2283 of the APC protein. Computational prediction suggests that this variant may not impact protein structure and function (internally defined REVEL score threshold <= 0.5, PMID: 27666373). To our knowledge, functional studies have not been reported for this variant. This variant has not been reported in individuals affected with APC-related disorders. This variant has not been identified in the general population by the Genome Aggregation Database (gnomAD). The available evidence is insufficient to determine the role of this variant in disease conclusively. Therefore, this variant is classified as a Variant of Uncertain Significance.

This study involves interpretation of variants in research participants for the purpose of population health screening. Participant phenotype was not available at the time of variant classification. Additional details can be found in publication PMID: 35346344, PMCID: PMC8962531

Color Diagnostics, LLC DBA Color Health
Classification: Uncertain significance for Hereditary cancer-predisposing syndrome. Last evaluated: 2023-03-08. Review status: criteria provided, single submitter. Criteria: ACMG Guidelines, 2015. Collection method: clinical testing. Allele origin: germline.
Comment: This missense variant replaces serine with glycine at codon 2283 of the APC protein. Computational prediction suggests that this variant may not impact protein structure and function (internally defined REVEL score threshold <= 0.5, PMID: 27666373). To our knowledge, functional studies have not been reported for this variant. This variant has not been reported in individuals affected with APC-related disorders. This variant has not been identified in the general population by the Genome Aggregation Database (gnomAD). The available evidence is insufficient to determine the role of this variant in disease conclusively. Therefore, this variant is classified as a Variant of Uncertain Significance.